The following is an entry in ClinVar:

NC_000002.11:g.(?_50847140)_(51153113_?)dup

Gene: NRXN1 (neurexin 1; minus strand). Cytogenetic location: 2p16.3.
Variant type: Duplication.
Identifiers: ClinVar variation 1503359 (VCV001503359.5).

ClinVar aggregate classification (germline): Likely pathogenic (1 of 4 stars; one submission).

Conditions:
Pitt-Hopkins-like syndrome 2 (PTHSL2). Identifiers: Orphanet 221150, Orphanet 600663, MedGen C3280479, MONDO:0013690, OMIM 614325.

Submission:

Labcorp Genetics (formerly Invitae), Labcorp
Classification: Likely pathogenic for Pitt-Hopkins-like syndrome 2. Last evaluated: 2022-06-13. Review status: criteria provided, single submitter. Criteria: Invitae Variant Classification Sherloc (09022015). Collection method: clinical testing. Allele origin: germline.
Comment: In summary, the currently available evidence indicates that the variant is pathogenic, but additional data are needed to prove that conclusively. Therefore, this variant has been classified as Likely Pathogenic. This variant has not been reported in the literature in individuals affected with NRXN1-related conditions. This variant results in a copy number gain of the genomic region encompassing exon(s) 4-9 of the NRXN1 gene. While the exact position of this variant cannot be determined from the data, sub-genic copy number gains are generally in tandem (PMID: 25640679). This variant is predicted to be out-of-frame, and may result in an absent or disrupted protein product. Loss-of-function variants in NRXN1 are known to be pathogenic (PMID: 19896112, 21964664, 23495017, 23533028, 25149956, 30031152).

Literature cited by the submitters: PubMed 25640679; PubMed 19896112; PubMed 21964664; PubMed 23495017; PubMed 23533028; PubMed 25149956; PubMed 30031152.